The following is an entry in ClinVar:

NM_001378183.1(PIEZO2):c.4252G>T (p.Gly1418Cys)

Gene: PIEZO2 (piezo type mechanosensitive ion channel component 2; minus strand). Cytogenetic location: 18p11.22.
Variant type: single nucleotide variant.
Coding change: c.4252G>T on transcript NM_001378183.1 (MANE Select); coding-DNA position 4252, G replaced by T.
Protein change: p.Gly1418Cys; replaces glycine 1418 with cysteine.
Molecular consequence: missense variant.
Genome position (GRCh38, 1-based): chr18:10,750,103, C>A on the plus strand (G>T on the coding strand, the complement: PIEZO2 is on the minus strand). VCF-style: chr18-10750103-C-A. GRCh37 (hg19) VCF-style: chr18-10750101-C-A.
Other names: c.4252G>T, p.Gly1418Cys (NM_001410871.1); c.4177G>T, p.Gly1393Cys (NM_022068.4); short protein forms G1393C, G1418C.
Identifiers: ClinVar variation 3340925 (VCV003340925.1).

ClinVar aggregate classification (germline): Uncertain significance (1 of 4 stars; one submission).

Submission:

GeneDx
Classification: Uncertain significance. Last evaluated: 2023-06-07. Review status: criteria provided, single submitter. Criteria: GeneDx Variant Classification Process June 2021. Collection method: clinical testing. Allele origin: germline. Affected: yes.
Comment: Not observed at significant frequency in large population cohorts (gnomAD); In silico analysis supports that this missense variant has a deleterious effect on protein structure/function; Has not been previously published as pathogenic or benign to our knowledge